The following is an entry in ClinVar:

ClinVar aggregate classification (germline): Pathogenic (1 of 4 stars; one submission).

Conditions:
Methylmalonic aciduria and homocystinuria type cblF. Also called: COBALAMIN F DISEASE; COBALAMIN, DEFECT IN LYSOSOMAL RELEASE OF; METHYLMALONIC ACIDEMIA AND HOMOCYSTINURIA, cblF TYPE; METHYLMALONIC ACIDURIA DUE TO VITAMIN B12-RELEASE DEFECT; VITAMIN B12 LYSOSOMAL RELEASE DEFECT; VITAMIN B12 STORAGE DISEASE. Identifiers: Orphanet 79284, MedGen C1848578, MONDO:0010183, OMIM 277380.

Allele frequency attached by ClinVar (database versions not stated): gnomAD exomes below 0.00001; TOPMed 0.00001.

Submission:

Labcorp Genetics (formerly Invitae), Labcorp
Classification: Pathogenic for Methylmalonic aciduria and homocystinuria type cblF. Last evaluated: 2023-02-16. Review status: criteria provided, single submitter. Criteria: Invitae Variant Classification Sherloc (09022015). Collection method: clinical testing. Allele origin: germline.
Comment: This variant has not been reported in the literature in individuals affected with LMBRD1-related conditions. This variant is not present in population databases (gnomAD no frequency). This sequence change creates a premature translational stop signal (p.Val161Hisfs*2) in the LMBRD1 gene. It is expected to result in an absent or disrupted protein product. Loss-of-function variants in LMBRD1 are known to be pathogenic (PMID: 19136951, 21303734). For these reasons, this variant has been classified as Pathogenic.

Literature cited by the submitters: PubMed 19136951; PubMed 21303734.

NM_018368.4(LMBRD1):c.481_484del (p.Val161fs)

Gene: LMBRD1 (LMBR1 domain containing 1; minus strand). Cytogenetic location: 6q13.
Variant type: Deletion.
Coding change: c.481_484del on transcript NM_018368.4 (MANE Select); coding-DNA positions 481 to 484, 4 bases deleted (GTTC; older notation c.481_484delGTTC).
Protein change: p.Val161fs; shifts the reading frame from valine 161.
Molecular consequence: frameshift variant.
Genome position (GRCh38, 1-based): chr6:69,741,867-69,741,870, GAAC deleted on the plus strand (GTTC on the coding strand, the reverse complement: LMBRD1 is on the minus strand). VCF-style (leftmost placement, unchanged base first): chr6-69741866-GGAAC-G. GRCh37 (hg19) VCF-style: chr6-70451758-GGAAC-G.
Other names: c.262_265del, p.Val88fs (NM_001363722.2, NM_001367271.1, NM_001367272.1); short protein forms V88fs, V161fs.
Identifiers: ClinVar variation 2838155 (VCV002838155.3), dbSNP rs1767111402, ClinGen allele CA1636432620.